The following is an entry in ClinVar:

NM_001164508.2(NEB):c.18187C>T (p.Arg6063Ter)

Gene: NEB (nebulin; minus strand). Cytogenetic location: 2q23.3.
Variant type: single nucleotide variant.
Coding change: c.18187C>T on transcript NM_001164508.2 (MANE Select); coding-DNA position 18187, C replaced by T.
Protein change: p.Arg6063Ter; replaces arginine 6063 with a stop codon.
Molecular consequence: nonsense.
Genome position (GRCh38, 1-based): chr2:151,565,790, G>A on the plus strand (C>T on the coding strand, the complement: NEB is on the minus strand). VCF-style: chr2-151565790-G-A. GRCh37 (hg19) VCF-style: chr2-152422304-G-A.
Other names: NM_001164508.2:c.18187C>T; c.18187C>T, p.Arg6063Ter (NM_001164507.2, NM_001271208.2); c.13084C>T, p.Arg4362Ter (NM_004543.5); short protein forms R6063*, R4362*.
Identifiers: ClinVar variation 2982378 (VCV002982378.5), dbSNP rs1290121054, ClinGen allele CA348802504.
Genomic context (GRCh38, chr2:151,565,790, plus strand): 5'-CCTGGTTCTTAGTAACCCTTACATGGTCCACAGAATCCAGTGGGATCCAGCCAATGCCTC[G>A]GAGCCACTCCAGGTCAGCTCTGTAGACATTCTGAGAGCAGGAAGAGAGATATAATGGAGG-3'

ClinVar aggregate classification (germline): Pathogenic. Review status: criteria provided, multiple submitters, no conflicts (2 of 4 stars). 3 submissions from 3 submitters: Pathogenic (3). Last evaluated 2025-12-08.

Conditions:
Nemaline myopathy 2 (NEM2). Also called: Nemaline myopathy 2, autosomal recessive. Identifiers: MedGen C1850569, MONDO:0009725, OMIM 256030.
Nemaline myopathy. Also called: Myopathies, Nemaline. Identifiers: Orphanet 607, MedGen C0206157, MONDO:0018958.

Allele frequency attached by ClinVar (database versions not stated): gnomAD exomes below 0.00001.

Submissions (3):

Natera, Inc.
Classification: Pathogenic for Nemaline myopathy type 2. Last evaluated: 2025-12-08. Review status: criteria provided, single submitter. Criteria: Natera Variant Classification Schema (03/2026). Collection method: clinical testing. Allele origin: germline.
Comment: The c.18187C>T variant in NEB is a nonsense variant predicted to introduce a stop codon at amino acid 6063. This variant is expected to result in nonsense mediated decay, truncation, or a dysfunctional protein product. This variant is rare in the general population with a frequency below the threshold expected for the associated phenotype(s). This variant has been observed in one or more individuals affected with the associated recessive disease, as either homozygous or compound heterozygous with a second variant (PMID: 32222963). Given the available evidence, this variant is classified as Pathogenic.

Broad Center for Mendelian Genomics, Broad Institute of MIT and Harvard
Classification: Pathogenic for Nemaline myopathy. Last evaluated: 2025-03-10. Review status: criteria provided, single submitter. Criteria: ACMG Guidelines, 2015. Collection method: curation. Allele origin: germline. Inheritance: Autosomal recessive inheritance.
Comment: The p.Arg6063Ter variant in NEB has been reported, in the compound heterozygous state, in one individual with nemaline myopathy (PMID: 32222963), and has been identified in 0.002% (1/44762) of East Asian chromosomes by the Genome Aggregation Database (gnomAD; dbSNP ID: rs1290121054). Although this variant has been seen in the general population in a heterozygous state, its frequency is low enough to be consistent with a recessive carrier frequency. This nonsense variant leads to a premature termination codon at position 6063, which is predicted to lead to a truncated or absent protein. Loss of function of the NEB gene is an established disease mechanism in autosomal recessive nemaline myopathy. The phenotype of individuals heterozygous for this variant are highly specific for nemaline myopathy based on the presence of nemaline rods consistent with disease. In summary, this variant meets criteria to be classified as pathogenic for autosomal recessive nemaline myopathy. ACMG/AMP Criteria applied: PVS1, PP4, PM2_supporting, PM3_supporting (Richards 2015).

Labcorp Genetics (formerly Invitae), Labcorp
Classification: Pathogenic for Nemaline myopathy 2. Last evaluated: 2023-08-09. Review status: criteria provided, single submitter. Criteria: Invitae Variant Classification Sherloc (09022015). Collection method: clinical testing. Allele origin: germline.
Comment: This sequence change creates a premature translational stop signal (p.Arg6063*) in the NEB gene. It is expected to result in an absent or disrupted protein product. Loss-of-function variants in NEB are known to be pathogenic (PMID: 25205138). The frequency data for this variant in the population databases is considered unreliable, as metrics indicate poor data quality at this position in the gnomAD database. This premature translational stop signal has been observed in individual(s) with nemaline myopathy (PMID: 32222963). For these reasons, this variant has been classified as Pathogenic.

Literature cited by the submitters: PubMed 32222963 (cited by Natera, Inc. and Labcorp Genetics (formerly Invitae), Labcorp); PubMed 25205138 (cited by Labcorp Genetics (formerly Invitae), Labcorp).